The following is an entry in ClinVar:

ClinVar aggregate classification (germline): Uncertain significance. Review status: criteria provided, multiple submitters, no conflicts (2 of 4 stars). 3 submissions from 3 submitters: Uncertain significance (3). Last evaluated 2024-12-14.

Conditions:
Malignant hyperthermia, susceptibility to, 1 (MHS1). Also called: RYR1-Related Malignant Hyperthermia Susceptibility; Malignant hyperthermia suceptibility 1; Anesthesia related hyperthermia; Malignant hyperpyrexia; Fulminating hyperpyrexia; Pharmacogenic myopathy. Identifiers: Orphanet 423, MedGen C2930980, MONDO:0007783, OMIM 145600.
RYR1-related disorder. Also called: RYR1-related condition; RYR1-related disorders. Identifiers: MedGen CN239331.

gnomAD v4.1: 2 of 1,429,544 alleles (0.00014%); highest among the groups gnomAD compares: Non-Finnish European, 0.00018%; no homozygotes.

Submissions (3):

GeneDx
Classification: Uncertain significance. Last evaluated: 2024-12-14. Review status: criteria provided, single submitter. Criteria: GeneDx Variant Classification Process June 2021. Collection method: clinical testing. Allele origin: germline. Affected: yes.
Comment: Not observed at significant frequency in large population cohorts (gnomAD); In silico analysis supports that this missense variant has a deleterious effect on protein structure/function; Has not been previously published as pathogenic or benign to our knowledge

All of Us Research Program, National Institutes of Health
Classification: Uncertain significance for Malignant hyperthermia, susceptibility to, 1. Last evaluated: 2023-05-16. Review status: criteria provided, single submitter. Criteria: ACMG Guidelines, 2015. Collection method: clinical testing. Allele origin: germline. Inheritance: Autosomal dominant inheritance. Observed: 2 variant alleles, 2 heterozygotes.
Comment: This missense variant replaces proline with leucine at codon 4465 of the RYR1 protein. Computational prediction is inconclusive regarding the impact of this variant on protein structure and function (internally defined REVEL score threshold 0.5 < inconclusive < 0.7, PMID: 27666373). To our knowledge, functional studies have not been reported for this variant. This variant has not been reported in individuals affected with RYR1-related disorders in the literature. This variant has not been identified in the general population by the Genome Aggregation Database (gnomAD). The available evidence is insufficient to determine the role of this variant in disease conclusively. Therefore, this variant is classified as a Variant of Uncertain Significance.

This study involves interpretation of variants in research participants for the purpose of population health screening. Participant phenotype was not available at the time of variant classification. Additional details can be found in publication PMID: 35346344, PMCID: PMC8962531

Labcorp Genetics (formerly Invitae), Labcorp
Classification: Uncertain significance for RYR1-related disorder. Last evaluated: 2022-06-04. Review status: criteria provided, single submitter. Criteria: Invitae Variant Classification Sherloc (09022015). Collection method: clinical testing. Allele origin: germline.
Comment: In summary, the available evidence is currently insufficient to determine the role of this variant in disease. Therefore, it has been classified as a Variant of Uncertain Significance. Advanced modeling of protein sequence and biophysical properties (such as structural, functional, and spatial information, amino acid conservation, physicochemical variation, residue mobility, and thermodynamic stability) performed at Invitae indicates that this missense variant is not expected to disrupt RYR1 protein function. This variant has not been reported in the literature in individuals affected with RYR1-related conditions. This variant is not present in population databases (gnomAD no frequency). This sequence change replaces proline, which is neutral and non-polar, with leucine, which is neutral and non-polar, at codon 4465 of the RYR1 protein (p.Pro4465Leu).

NM_000540.3(RYR1):c.13394C>T (p.Pro4465Leu)

Gene: RYR1 (ryanodine receptor 1; plus strand). Cytogenetic location: 19q13.2.
Variant type: single nucleotide variant.
Coding change: c.13394C>T on transcript NM_000540.3 (MANE Select); coding-DNA position 13394, C replaced by T.
Protein change: p.Pro4465Leu; replaces proline 4465 with leucine.
Molecular consequence: missense variant.
Genome position (GRCh38, 1-based): chr19:38,565,728, C>T. VCF-style: chr19-38565728-C-T. GRCh37 (hg19) VCF-style: chr19-39056368-C-T.
Other names: c.13379C>T, p.Pro4460Leu (NM_001042723.2); short protein forms P4460L, P4465L.
Identifiers: ClinVar variation 2165696 (VCV002165696.6), dbSNP rs2514682294, ClinGen allele CA405675550.